The following is an entry in ClinVar:

ClinVar aggregate classification (germline): Likely benign. Review status: criteria provided, multiple submitters, no conflicts (2 of 4 stars). 4 submissions from 4 submitters: Likely benign (4). Last evaluated 2026-05-01.

Conditions:
Cardiovascular phenotype. Identifiers: MedGen CN230736.
Long QT syndrome (LQTS). Identifiers: MedGen C0023976, MeSH D008133, MONDO:0002442. Disease mechanism: loss of function. Inheritance: Various modes of inheritance.

Allele frequency attached by ClinVar (database versions not stated): gnomAD exomes 0.00001; TOPMed 0.00001; ExAC 0.00002.
gnomAD v4.1: 10 of 1,614,224 alleles (0.00062%); highest among the groups gnomAD compares: Non-Finnish European, 0.00085%; no homozygotes.

Submissions (4):

CeGaT Center for Human Genetics Tuebingen
Classification: Likely benign. Last evaluated: 2026-05-01. Review status: criteria provided, single submitter. Criteria: CeGaT Center For Human Genetics Tuebingen Variant Classification Criteria Version 2. Collection method: clinical testing. Allele origin: germline. Affected: yes. Observed: 1 variant allele.
Comment: ANK2: BP4, BP7

Labcorp Genetics (formerly Invitae), Labcorp
Classification: Likely benign for Long QT syndrome. Last evaluated: 2025-09-27. Review status: criteria provided, single submitter. Criteria: Invitae Variant Classification Sherloc (09022015). Collection method: clinical testing. Allele origin: germline.

Blueprint Genetics
Classification: Likely benign. Last evaluated: 2024-04-18. Review status: criteria provided, single submitter. Criteria: ACMG Guidelines, 2015. Collection method: clinical testing. Allele origin: germline.

Ambry Genetics
Classification: Likely benign for Cardiovascular phenotype. Last evaluated: 2019-09-12. Review status: criteria provided, single submitter. Criteria: Ambry Variant Classification Scheme 2023. Collection method: clinical testing. Allele origin: germline.

NM_001148.6(ANK2):c.1056A>G (p.Leu352=)

Gene: ANK2 (ankyrin 2; plus strand). Cytogenetic location: 4q26.
Variant type: single nucleotide variant.
Coding change: c.1056A>G on transcript NM_001148.6 (MANE Select); coding-DNA position 1056, A replaced by G.
Protein change: p.Leu352=; no amino-acid change (leucine 352 retained).
Molecular consequence: synonymous variant.
Genome position (GRCh38, 1-based): chr4:113,255,800, A>G. VCF-style: chr4-113255800-A-G. GRCh37 (hg19) VCF-style: chr4-114176956-A-G.
Other names: c.1056A>G, p.Leu352= (NM_001354273.2, NM_020977.5, NM_001354225.2 and 9 more transcripts); c.969A>G, p.Leu323= (NM_001354274.2, NM_001354276.2, NM_001354277.2 and 16 more transcripts); c.993A>G, p.Leu331= (NM_001354275.2, NM_001386143.1, NM_001386156.1 and 14 more transcripts); c.1101A>G, p.Leu367= (NM_001386144.1, NM_001386152.1, NM_001354230.2 and 5 more transcripts); c.1014A>G, p.Leu338= (NM_001386147.1, NM_001386160.1, NM_001354261.2); c.1044A>G, p.Leu348= (NM_001386148.2, NM_001386186.2, NM_001354269.3); c.1107A>G, p.Leu369= (NM_001386174.1); c.1083A>G, p.Leu361= (NM_001386175.1); and 1 more.
Identifiers: ClinVar variation 1778534 (VCV001778534.10), dbSNP rs777428508, ClinGen allele CA3050183.